The following is an entry in ClinVar:

ClinVar aggregate classification (germline): Uncertain significance (1 of 4 stars; one submission).

Submission:

GeneDx
Classification: Uncertain significance. Last evaluated: 2023-02-04. Review status: criteria provided, single submitter. Criteria: GeneDx Variant Classification Process June 2021. Collection method: clinical testing. Allele origin: germline. Affected: yes.
Comment: Not observed at significant frequency in large population cohorts (gnomAD); In silico analysis supports that this missense variant has a deleterious effect on protein structure/function; Has not been previously published as pathogenic or benign to our knowledge

NM_001080421.3(UNC13A):c.260A>T (p.Gln87Leu)

Gene: UNC13A (unc-13 homolog A; minus strand). Cytogenetic location: 19p13.11.
Variant type: single nucleotide variant.
Coding change: c.260A>T on transcript NM_001080421.3 (MANE Select); coding-DNA position 260, A replaced by T.
Protein change: p.Gln87Leu; replaces glutamine 87 with leucine.
Molecular consequence: missense variant.
Genome position (GRCh38, 1-based): chr19:17,672,388, T>A on the plus strand (A>T on the coding strand, the complement: UNC13A is on the minus strand). VCF-style: chr19-17672388-T-A. GRCh37 (hg19) VCF-style: chr19-17783197-T-A.
Other names: c.260A>T, p.Gln87Leu (NM_001387021.1, NM_001387022.1, NM_001387023.1); short protein forms Q87L.
Identifiers: ClinVar variation 2574970 (VCV002574970.1), dbSNP rs2513154679, ClinGen allele CA404741775.